The following is an entry in ClinVar:

NM_005477.3(HCN4):c.146G>C (p.Arg49Pro)

Gene: HCN4 (hyperpolarization activated cyclic nucleotide gated potassium channel 4; minus strand). Cytogenetic location: 15q24.1.
Variant type: single nucleotide variant.
Coding change: c.146G>C on transcript NM_005477.3 (MANE Select); coding-DNA position 146, G replaced by C.
Protein change: p.Arg49Pro; replaces arginine 49 with proline.
Molecular consequence: missense variant.
Genome position (GRCh38, 1-based): chr15:73,368,125, C>G on the plus strand (G>C on the coding strand, the complement: HCN4 is on the minus strand). VCF-style: chr15-73368125-C-G. GRCh37 (hg19) VCF-style: chr15-73660466-C-G.
Other names: short protein forms R49P.
Identifiers: ClinVar variation 2874933 (VCV002874933.3), dbSNP rs2043138348, ClinGen allele CA393098883.
Genomic context (GRCh38, chr15:73,368,125, plus strand): 5'-CTCCGGGACTCCGTGCCACCCGCGGCCGCCGAGGGGGAGGGCGAGGGCAGTGGCCGCAGC[C>G]GGATGCTCCTGCGGCTGGGGTCTTGGCGGCCCCCGGCCCCCTCCTCCTCGGCGTCCTCTT-3'
Protein context (NP_005468.1, residues 39-59): GRQDPSRRSI[Arg49Pro]LRPLPSPSPS

ClinVar aggregate classification (germline): Uncertain significance (1 of 4 stars; one submission).

Conditions:
Brugada syndrome 8 (BRGDA8). Identifiers: Orphanet 130, MedGen C2751083, MONDO:0013148, OMIM 613123.

Submission:

Labcorp Genetics (formerly Invitae), Labcorp
Classification: Uncertain significance for Brugada syndrome 8. Last evaluated: 2023-03-01. Review status: criteria provided, single submitter. Criteria: Invitae Variant Classification Sherloc (09022015). Collection method: clinical testing. Allele origin: germline.
Comment: This sequence change replaces arginine, which is basic and polar, with proline, which is neutral and non-polar, at codon 49 of the HCN4 protein (p.Arg49Pro). This variant is not present in population databases (gnomAD no frequency). This variant has not been reported in the literature in individuals affected with HCN4-related conditions. Advanced modeling of protein sequence and biophysical properties (such as structural, functional, and spatial information, amino acid conservation, physicochemical variation, residue mobility, and thermodynamic stability) performed at Invitae indicates that this missense variant is not expected to disrupt HCN4 protein function. In summary, the available evidence is currently insufficient to determine the role of this variant in disease. Therefore, it has been classified as a Variant of Uncertain Significance.